The following is an entry in ClinVar:

NM_003640.5(ELP1):c.1619_1620insT (p.Glu540fs)

Gene: ELP1 (elongator acetyltransferase complex subunit 1; minus strand). Cytogenetic location: 9q31.3.
Variant type: Insertion.
Coding change: c.1619_1620insT on transcript NM_003640.5 (MANE Select); coding-DNA positions 1619 to 1620, T inserted.
Protein change: p.Glu540fs; shifts the reading frame from glutamic acid 540.
Molecular consequence: frameshift variant.
Genome position: GRCh38 VCF-style: chr9-108906326-T-TA. GRCh37 (hg19) VCF-style: chr9-111668606-T-TA.
Other names: c.1277_1278insT, p.Glu426fs (NM_001318360.2); c.572_573insT, p.Glu191fs (NM_001330749.2); short protein forms E191fs, E426fs, E540fs.
Identifiers: ClinVar variation 1724249 (VCV001724249.2), dbSNP rs2537912475, ClinGen allele CA2580079378.
Genomic context (GRCh38, chr9:108,906,326, plus strand): 5'-TGCTTAACATGTGGAGTACAGGGAAAAACTGCAATACCTGACATTGAGCTGTCCATGCTC[T>TA]TCATCCATCTCAGAAGAAGCTGCAGTCAAATGGTGAATGACAGACCGGGGGCTGAACTCA-3'

ClinVar aggregate classification (germline): Likely pathogenic (1 of 4 stars; one submission).

Conditions:
Familial dysautonomia. Also called: HSAN III; FD. Identifiers: Orphanet 1764, MedGen C0013364, MONDO:0009131, OMIM 223900. Disease mechanism: loss of function.

Submission:

Myriad Genetics, Inc.
Classification: Likely pathogenic for Familial dysautonomia. Last evaluated: 2022-02-02. Review status: criteria provided, single submitter. Criteria: Myriad Women's Health Autosomal Recessive and X-Linked Classification Criteria (2021). Collection method: clinical testing. Allele origin: unknown.
Comment: NM_003640.3(ELP1):c.1619_1620insT(E540Dfs*36) is expected to be pathogenic in the context of familial dysautonomia. This variant is predicted to lead to an abnormal or absent protein product due to the creation of a premature termination codon in ELP1, a gene where loss-of-function variants are known to be pathogenic. Please note: this variant was assessed in the context of healthy population screening.